The following is an entry in ClinVar:

NM_015937.6(PIGT):c.262T>C (p.Ser88Pro)

Gene: PIGT (phosphatidylinositol glycan anchor biosynthesis class T; plus strand). Cytogenetic location: 20q13.12.
Variant type: single nucleotide variant.
Coding change: c.262T>C on transcript NM_015937.6 (MANE Select); coding-DNA position 262, T replaced by C.
Protein change: p.Ser88Pro; replaces serine 88 with proline.
Molecular consequence: missense variant. On other transcripts: non-coding transcript variant (3), intron variant (1).
Genome position (GRCh38, 1-based): chr20:45,416,591, T>C. VCF-style: chr20-45416591-T-C. GRCh37 (hg19) VCF-style: chr20-44045231-T-C.
Other names: c.262T>C, p.Ser88Pro (NM_001184728.3, NM_001184729.3); c.187+248T>C (NM_001184730.3); c.262T>C (NM_015937.4); short protein forms S88P.
Identifiers: ClinVar variation 1475702 (VCV001475702.9), dbSNP rs2145433234, ClinGen allele CA409166164.

ClinVar aggregate classification (germline): Uncertain significance. Review status: criteria provided, multiple submitters, no conflicts (2 of 4 stars). 2 submissions from 2 submitters: Uncertain significance (2). Last evaluated 2023-10-25.

Conditions:
Inborn genetic diseases. Identifiers: MedGen C0950123, MeSH D030342.
Multiple congenital anomalies-hypotonia-seizures syndrome 3 (MCAHS3). Also called: GLYCOSYLPHOSPHATIDYLINOSITOL BIOSYNTHESIS DEFECT 7. Identifiers: Orphanet 369837, MedGen C3809356, MONDO:0014165, OMIM 615398.

Allele frequency attached by ClinVar (database versions not stated): gnomAD exomes below 0.00001.

Submissions (2):

Ambry Genetics
Classification: Uncertain significance for Inborn genetic diseases. Last evaluated: 2023-10-25. Review status: criteria provided, single submitter. Criteria: Ambry Variant Classification Scheme 2023. Collection method: clinical testing. Allele origin: germline.

Labcorp Genetics (formerly Invitae), Labcorp
Classification: Uncertain significance for Multiple congenital anomalies-hypotonia-seizures syndrome 3. Last evaluated: 2022-11-22. Review status: criteria provided, single submitter. Criteria: Invitae Variant Classification Sherloc (09022015). Collection method: clinical testing. Allele origin: germline.
Comment: Advanced modeling of protein sequence and biophysical properties (such as structural, functional, and spatial information, amino acid conservation, physicochemical variation, residue mobility, and thermodynamic stability) performed at Invitae indicates that this missense variant is expected to disrupt PIGT protein function. ClinVar contains an entry for this variant (Variation ID: 1475702). This variant has not been reported in the literature in individuals affected with PIGT-related conditions. This variant is not present in population databases (gnomAD no frequency). This sequence change replaces serine, which is neutral and polar, with proline, which is neutral and non-polar, at codon 88 of the PIGT protein (p.Ser88Pro). In summary, the available evidence is currently insufficient to determine the role of this variant in disease. Therefore, it has been classified as a Variant of Uncertain Significance.